The following is an entry in ClinVar:

NM_000246.4(CIITA):c.3368A>G (p.Gln1123Arg)

Gene: CIITA (class II major histocompatibility complex transactivator; plus strand). Cytogenetic location: 16p13.13.
Variant type: single nucleotide variant.
Coding change: c.3368A>G on transcript NM_000246.4 (MANE Select); coding-DNA position 3368, A replaced by G.
Protein change: p.Gln1123Arg; replaces glutamine 1123 with arginine.
Molecular consequence: missense variant. On other transcripts: non-coding transcript variant (1).
Genome position (GRCh38, 1-based): chr16:10,923,278, A>G. VCF-style: chr16-10923278-A-G. GRCh37 (hg19) VCF-style: chr16-11017135-A-G.
Other names: c.3371A>G, p.Gln1124Arg (NM_001286402.1, NM_001379332.1); c.1616A>G, p.Gln539Arg (NM_001286403.2); c.3224A>G, p.Gln1075Arg (NM_001379330.1); c.3221A>G, p.Gln1074Arg (NM_001379331.1); c.3368A>G, p.Gln1123Arg (NM_001379333.1); c.3299A>G, p.Gln1100Arg (NM_001379334.1); short protein forms Q1100R, Q1123R, Q1124R, Q539R, Q1074R, Q1075R.
Identifiers: ClinVar variation 1951215 (VCV001951215.5), dbSNP rs2544678846, ClinGen allele CA394724675.

ClinVar aggregate classification (germline): Uncertain significance (1 of 4 stars; one submission).

Conditions:
MHC class II deficiency. Also called: Bare lymphocyte syndrome 2; BLS, TYPE II. Identifiers: Orphanet 572, MedGen C5447452, MONDO:0008855.

Allele frequency attached by ClinVar (database versions not stated): gnomAD exomes below 0.00001.
gnomAD v4.1: 1 of 1,571,060 alleles (0.000064%); highest among the groups gnomAD compares: Non-Finnish European, 0.000087%; no homozygotes.

Submission:

Labcorp Genetics (formerly Invitae), Labcorp
Classification: Uncertain significance for MHC class II deficiency. Last evaluated: 2022-03-04. Review status: criteria provided, single submitter. Criteria: Invitae Variant Classification Sherloc (09022015). Collection method: clinical testing. Allele origin: germline.
Comment: This sequence change replaces glutamine, which is neutral and polar, with arginine, which is basic and polar, at codon 1123 of the CIITA protein (p.Gln1123Arg). This variant is not present in population databases (gnomAD no frequency). This variant has not been reported in the literature in individuals affected with CIITA-related conditions. Algorithms developed to predict the effect of missense changes on protein structure and function are either unavailable or do not agree on the potential impact of this missense change (SIFT: "Tolerated"; PolyPhen-2: "Possibly Damaging"; Align-GVGD: "Class C0"). In summary, the available evidence is currently insufficient to determine the role of this variant in disease. Therefore, it has been classified as a Variant of Uncertain Significance.